The following is an entry in ClinVar:

NM_005359.6(SMAD4):c.1064A>G (p.Asp355Gly)

Gene: SMAD4 (SMAD family member 4; plus strand). Cytogenetic location: 18q21.2.
Variant type: single nucleotide variant.
Coding change: c.1064A>G on transcript NM_005359.6 (MANE Select); coding-DNA position 1064, A replaced by G.
Protein change: p.Asp355Gly; replaces aspartic acid 355 with glycine.
Molecular consequence: missense variant. On other transcripts: non-coding transcript variant (2).
Genome position (GRCh38, 1-based): chr18:51,065,531, A>G. VCF-style: chr18-51065531-A-G. GRCh37 (hg19) VCF-style: chr18-48591901-A-G.
Other names: c.1064A>G, p.Asp355Gly (NM_001407041.1, NM_001407042.1, NM_001407043.1); short protein forms D355G.
Identifiers: ClinVar variation 4046532 (VCV004046532.1).

ClinVar aggregate classification (germline): Uncertain significance (1 of 4 stars; one submission).

Conditions:
Familial thoracic aortic aneurysm and aortic dissection (TAAD). Also called: Thoracic aortic aneurysms and dissections. Identifiers: Orphanet 91387, MedGen C4707243, MONDO:0019625.
Hereditary cancer-predisposing syndrome. Also called: Neoplastic Syndromes, Hereditary; Tumor predisposition; Hereditary neoplastic syndrome; Hereditary Cancer Syndrome. Identifiers: Orphanet 140162, MedGen C0027672, MeSH D009386, MONDO:0015356.

Submission:

Ambry Genetics
Classification: Uncertain significance for Hereditary cancer-predisposing syndrome; Familial thoracic aortic aneurysm and aortic dissection. Last evaluated: 2025-06-05. Review status: criteria provided, single submitter. Criteria: Ambry Variant Classification Scheme 2023. Collection method: clinical testing. Allele origin: germline.
Comment: The p.D355G variant (also known as c.1064A>G), located in coding exon 8 of the SMAD4 gene, results from an A to G substitution at nucleotide position 1064. The aspartic acid at codon 355 is replaced by glycine, an amino acid with similar properties. This amino acid position is highly conserved in available vertebrate species. In addition, this alteration is predicted to be deleterious by in silico analysis. Based on the available evidence, the clinical significance of this variant remains unclear.